The following is an entry in ClinVar:

NM_030957.4(ADAMTS10):c.175C>T (p.Pro59Ser)

Gene: ADAMTS10 (ADAM metallopeptidase with thrombospondin type 1 motif 10; minus strand). Cytogenetic location: 19p13.2.
Variant type: single nucleotide variant.
Coding change: c.175C>T on transcript NM_030957.4 (MANE Select); coding-DNA position 175, C replaced by T.
Protein change: p.Pro59Ser; replaces proline 59 with serine.
Molecular consequence: missense variant.
Genome position (GRCh38, 1-based): chr19:8,605,272, G>A on the plus strand (C>T on the coding strand, the complement: ADAMTS10 is on the minus strand). VCF-style: chr19-8605272-G-A. GRCh37 (hg19) VCF-style: chr19-8670157-G-A.
Other names: p.Pro59Ser; c.175C>T (NM_030957.2); short protein forms P59S.
Identifiers: ClinVar variation 2147672 (VCV002147672.3), dbSNP rs376631970, ClinGen allele CA9160912.

ClinVar aggregate classification (germline): Uncertain significance. Review status: criteria provided, multiple submitters, no conflicts (2 of 4 stars). 3 submissions from 3 submitters: Uncertain significance (3). Last evaluated 2024-02-17.

Conditions:
Inborn genetic diseases. Identifiers: MedGen C0950123, MeSH D030342.

Allele frequency attached by ClinVar (database versions not stated): TOPMed 0.00001; gnomAD 0.00003; gnomAD exomes 0.00004; ExAC 0.00006; ESP Exome Variant Server 0.00008; 1000 Genomes Project 30x 0.00016; 1000 Genomes Project 0.00020.
gnomAD v4.1: 61 of 1,612,808 alleles (0.0038%); highest among the groups gnomAD compares: Admixed American, 0.005%; 1 homozygote.

Submissions (3):

Ambry Genetics
Classification: Uncertain significance for Inborn genetic diseases. Last evaluated: 2024-02-17. Review status: criteria provided, single submitter. Criteria: Ambry Variant Classification Scheme 2023. Collection method: clinical testing. Allele origin: germline.

Mayo Clinic Laboratories, Mayo Clinic
Classification: Uncertain significance. Last evaluated: 2023-12-07. Review status: criteria provided, single submitter. Criteria: ACMG Guidelines, 2015. Collection method: clinical testing. Allele origin: germline. Observed: 1 variant allele.
Comment: BP4

Labcorp Genetics (formerly Invitae), Labcorp
Classification: Uncertain significance. Last evaluated: 2022-08-05. Review status: criteria provided, single submitter. Criteria: Invitae Variant Classification Sherloc (09022015). Collection method: clinical testing. Allele origin: germline.
Comment: This sequence change replaces proline, which is neutral and non-polar, with serine, which is neutral and polar, at codon 59 of the ADAMTS10 protein (p.Pro59Ser). This variant is present in population databases (rs376631970, gnomAD 0.01%). This variant has not been reported in the literature in individuals affected with ADAMTS10-related conditions. Algorithms developed to predict the effect of missense changes on protein structure and function (SIFT, PolyPhen-2, Align-GVGD) all suggest that this variant is likely to be tolerated. In summary, the available evidence is currently insufficient to determine the role of this variant in disease. Therefore, it has been classified as a Variant of Uncertain Significance.